The following is an entry in ClinVar:

ClinVar aggregate classification (germline): Pathogenic/Likely pathogenic. Review status: criteria provided, multiple submitters, no conflicts (2 of 4 stars). 2 submissions from 2 submitters: Pathogenic (1); Likely pathogenic (1). Last evaluated 2024-04-10.

Conditions:
Vici syndrome (VICIS). Identifiers: Orphanet 1493, MedGen C1855772, MONDO:0009452, OMIM 242840.

Allele frequency attached by ClinVar (database versions not stated): gnomAD exomes below 0.00001; TOPMed 0.00001; ESP Exome Variant Server 0.00008.

Submissions (2):

Labcorp Genetics (formerly Invitae), Labcorp
Classification: Pathogenic for Vici syndrome. Last evaluated: 2024-04-10. Review status: criteria provided, single submitter. Criteria: Invitae Variant Classification Sherloc (09022015). Collection method: clinical testing. Allele origin: germline.
Comment: This sequence change creates a premature translational stop signal (p.Arg241*) in the EPG5 gene. It is expected to result in an absent or disrupted protein product. Loss-of-function variants in EPG5 are known to be pathogenic (PMID: 23222957, 23674064). This variant is present in population databases (rs372940918, gnomAD 0.006%). This variant has not been reported in the literature in individuals affected with EPG5-related conditions. ClinVar contains an entry for this variant (Variation ID: 1030744). For these reasons, this variant has been classified as Pathogenic.

Baylor Genetics
Classification: Likely pathogenic for Vici syndrome. Last evaluated: 2019-12-09. Review status: criteria provided, single submitter. Criteria: ACMG Guidelines, 2015. Collection method: clinical testing. Allele origin: unknown. Affected: yes.
Comment: This variant was determined to be likely pathogenic according to ACMG Guidelines, 2015 [PMID:25741868].

Literature cited by the submitters: PubMed 23222957 (cited by Labcorp Genetics (formerly Invitae), Labcorp); PubMed 23674064 (cited by Labcorp Genetics (formerly Invitae), Labcorp).

NM_020964.3(EPG5):c.721C>T (p.Arg241Ter)

Gene: EPG5 (ectopic P-granules 5 autophagy tethering factor; minus strand). Cytogenetic location: 18q21.1.
Variant type: single nucleotide variant.
Coding change: c.721C>T on transcript NM_020964.3 (MANE Select); coding-DNA position 721, C replaced by T.
Protein change: p.Arg241Ter; replaces arginine 241 with a stop codon.
Molecular consequence: nonsense.
Genome position (GRCh38, 1-based): chr18:45,954,681, G>A on the plus strand (C>T on the coding strand, the complement: EPG5 is on the minus strand). VCF-style: chr18-45954681-G-A. GRCh37 (hg19) VCF-style: chr18-43534647-G-A.
Other names: short protein forms R241*.
Identifiers: ClinVar variation 1030744 (VCV001030744.6), dbSNP rs372940918, ClinGen allele CA299792189.